The following is an entry in ClinVar:

ClinVar aggregate classification (germline): Uncertain significance (1 of 4 stars; one submission).

Submission:

GeneDx
Classification: Uncertain significance. Last evaluated: 2024-03-26. Review status: criteria provided, single submitter. Criteria: GeneDx Variant Classification Process June 2021. Collection method: clinical testing. Allele origin: germline. Affected: yes.
Comment: Not observed at significant frequency in large population cohorts (gnomAD); In silico analysis supports that this missense variant has a deleterious effect on protein structure/function; Has not been previously published as pathogenic or benign to our knowledge

NM_001961.4(EEF2):c.221C>T (p.Ala74Val)

Gene: EEF2 (eukaryotic translation elongation factor 2; minus strand). Cytogenetic location: 19p13.3.
Variant type: single nucleotide variant.
Coding change: c.221C>T on transcript NM_001961.4 (MANE Select); coding-DNA position 221, C replaced by T.
Protein change: p.Ala74Val; replaces alanine 74 with valine.
Molecular consequence: missense variant.
Genome position (GRCh38, 1-based): chr19:3,983,289, G>A on the plus strand (C>T on the coding strand, the complement: EEF2 is on the minus strand). VCF-style: chr19-3983289-G-A. GRCh37 (hg19) VCF-style: chr19-3983287-G-A.
Other names: short protein forms A74V.
Identifiers: ClinVar variation 3371655 (VCV003371655.1).